The following is an entry in ClinVar:

ClinVar aggregate classification (germline): Uncertain significance. Review status: criteria provided, multiple submitters, no conflicts (2 of 4 stars). 2 submissions from 2 submitters: Uncertain significance (2). Last evaluated 2024-01-24.

Conditions:
Long QT syndrome (LQTS). Identifiers: MedGen C0023976, MeSH D008133, MONDO:0002442. Disease mechanism: loss of function. Inheritance: Various modes of inheritance.

Submissions (2):

Labcorp Genetics (formerly Invitae), Labcorp
Classification: Uncertain significance for Long QT syndrome. Last evaluated: 2024-01-24. Review status: criteria provided, single submitter. Criteria: Invitae Variant Classification Sherloc (09022015). Collection method: clinical testing. Allele origin: germline.
Comment: This sequence change replaces threonine, which is neutral and polar, with alanine, which is neutral and non-polar, at codon 3894 of the ANK2 protein (p.Thr3894Ala). This variant is not present in population databases (gnomAD no frequency). This variant has not been reported in the literature in individuals affected with ANK2-related conditions. ClinVar contains an entry for this variant (Variation ID: 1810669). An algorithm developed to predict the effect of missense changes on protein structure and function (PolyPhen-2) suggests that this variant is likely to be disruptive. In summary, the available evidence is currently insufficient to determine the role of this variant in disease. Therefore, it has been classified as a Variant of Uncertain Significance.

GeneDx
Classification: Uncertain significance. Last evaluated: 2022-07-08. Review status: criteria provided, single submitter. Criteria: GeneDx Variant Classification Process June 2021. Collection method: clinical testing. Allele origin: germline. Affected: yes.
Comment: Not observed at significant frequency in large population cohorts (gnomAD); In silico analysis supports that this missense variant does not alter protein structure/function; Has not been previously published as pathogenic or benign to our knowledge

NM_001148.6(ANK2):c.11680A>G (p.Thr3894Ala)

Gene: ANK2 (ankyrin 2; plus strand). Cytogenetic location: 4q26.
Variant type: single nucleotide variant.
Coding change: c.11680A>G on transcript NM_001148.6 (MANE Select); coding-DNA position 11680, A replaced by G.
Protein change: p.Thr3894Ala; replaces threonine 3894 with alanine.
Molecular consequence: missense variant. On other transcripts: intron variant (1).
Genome position (GRCh38, 1-based): chr4:113,373,159, A>G. VCF-style: chr4-113373159-A-G. GRCh37 (hg19) VCF-style: chr4-114294315-A-G.
Other names: c.5206A>G, p.Thr1736Ala (NM_001386149.1, NM_001386153.1); c.5299A>G, p.Thr1767Ala (NM_001386150.1, NM_001386146.1); c.5233A>G, p.Thr1745Ala (NM_001386151.1); c.5191A>G, p.Thr1731Ala (NM_001386154.1); c.5164A>G, p.Thr1722Ala (NM_001386156.1, NM_001354257.2); c.5041A>G, p.Thr1681Ala (NM_001386157.1, NM_001354277.2); c.4942A>G, p.Thr1648Ala (NM_001386158.1); c.5269A>G, p.Thr1757Ala (NM_001386160.1); and 44 more; short protein forms T1709A, T1747A, T1755A, T1788A, T1800A, T1802A, T1808A, T1818A.
Identifiers: ClinVar variation 1810669 (VCV001810669.4), dbSNP rs1404361696, ClinGen allele CA357943471.
Genomic context (GRCh38, chr4:113,373,159, plus strand): 5'-ATGCCTGAAATACCCCCAGAAACAGTCACAGAAGAAGAATACATTGATGAGCATGGACAC[A>G]CCGTGGTAAAGAAGGTATTGTCTAGTATATCCTAACAGGGTTGATTACAAACTTCCTGTT-3'
Protein context (NP_001139.3, residues 3884-3904): EEEYIDEHGH[Thr3894Ala]VVKKVTRKII